The following is an entry in ClinVar:

NM_000130.5(F5):c.374-2del

Gene: F5 (coagulation factor V; minus strand). Cytogenetic location: 1q24.2.
Variant type: Deletion.
Coding change: c.374-2del on transcript NM_000130.5 (MANE Select); the canonical splice acceptor site of the intron before coding-DNA position 374, one base deleted (A; older notation c.374-2delA).
Molecular consequence: splice acceptor variant.
Genome position (GRCh38, 1-based): chr1:169,560,768, T deleted on the plus strand (A on the coding strand, the reverse complement: F5 is on the minus strand). VCF-style (leftmost placement, unchanged base first): chr1-169560767-CT-C. GRCh37 (hg19) VCF-style: chr1-169530005-CT-C.
Identifiers: ClinVar variation 2709004 (VCV002709004.3), dbSNP rs2526445575, ClinGen allele CA2697554646.

ClinVar aggregate classification (germline): Likely pathogenic (1 of 4 stars; one submission).

Conditions:
Congenital factor V deficiency. Also called: Hereditary factor V deficiency disease; LABILE FACTOR DEFICIENCY; OWREN PARAHEMOPHILIA; PARAHEMOPHILIA. Identifiers: Orphanet 326, MedGen C0015499, MONDO:0009210, OMIM 227400.

Submission:

Labcorp Genetics (formerly Invitae), Labcorp
Classification: Likely pathogenic for Congenital factor V deficiency. Last evaluated: 2024-01-11. Review status: criteria provided, single submitter. Criteria: Invitae Variant Classification Sherloc (09022015). Collection method: clinical testing. Allele origin: germline.
Comment: This sequence change affects a splice site in intron 3 of the F5 gene. It is expected to disrupt RNA splicing. Variants that disrupt the donor or acceptor splice site typically lead to a loss of protein function (PMID: 16199547), and loss-of-function variants in F5 are known to be pathogenic (PMID: 30924984). This variant is not present in population databases (gnomAD no frequency). This variant has not been reported in the literature in individuals affected with F5-related conditions. Algorithms developed to predict the effect of sequence changes on RNA splicing suggest that this variant may disrupt the consensus splice site. In summary, the currently available evidence indicates that the variant is pathogenic, but additional data are needed to prove that conclusively. Therefore, this variant has been classified as Likely Pathogenic.

Literature cited by the submitters: PubMed 16199547; PubMed 30924984.